The following is an entry in ClinVar:

NM_001135629.3(PPP1R21):c.376-5T>G

Gene: PPP1R21 (protein phosphatase 1 regulatory subunit 21; plus strand). Cytogenetic location: 2p16.3.
Variant type: single nucleotide variant.
Coding change: c.376-5T>G on transcript NM_001135629.3 (MANE Select); 5 bases into the intron before coding-DNA position 376, T replaced by G.
Molecular consequence: intron variant.
Genome position (GRCh38, 1-based): chr2:48,459,749, T>G. VCF-style: chr2-48459749-T-G. GRCh37 (hg19) VCF-style: chr2-48686888-T-G.
Other names: c.376-5T>G (NM_152994.5, NM_001193475.2).
Identifiers: ClinVar variation 2254372 (VCV002254372.2), dbSNP rs1667892739, ClinGen allele CA2496400899.

ClinVar aggregate classification (germline): Uncertain significance (1 of 4 stars; one submission).

Conditions:
Inborn genetic diseases. Identifiers: MedGen C0950123, MeSH D030342.

Allele frequency attached by ClinVar (database versions not stated): TOPMed 0.00001.

Submission:

Ambry Genetics
Classification: Uncertain significance for Inborn genetic diseases. Last evaluated: 2021-11-24. Review status: criteria provided, single submitter. Criteria: Ambry Variant Classification Scheme 2023. Collection method: clinical testing. Allele origin: germline.
Comment: The c.376-5T>G intronic alteration consists of a T to G substitution 5 nucleotides before exon 5 of the PPP1R21 gene. Based on insufficient or conflicting evidence, the clinical significance of this alteration remains unclear.